The following is an entry in ClinVar:

NM_005491.5(MAMLD1):c.2040T>A (p.Ile680=)

Gene: MAMLD1 (mastermind like domain containing 1; plus strand). Cytogenetic location: Xq28.
Variant type: single nucleotide variant.
Coding change: c.2040T>A on transcript NM_005491.5 (MANE Select); coding-DNA position 2040, T replaced by A.
Protein change: p.Ile680=; no amino-acid change (isoleucine 680 retained).
Molecular consequence: synonymous variant. On other transcripts: intron variant (4).
Genome position (GRCh38, 1-based): chrX:150,473,802, T>A. VCF-style: chrX-150473802-T-A. GRCh37 (hg19) VCF-style: chrX-149642074-T-A.
Other names: c.1965T>A, p.Ile655= (NM_001177466.3); c.2040T>A, p.Ile680= (NM_001400515.1); c.1917+2312T>A (NM_001400513.1, NM_001400512.1); c.1842+2312T>A (NM_001400514.1, NM_001177465.3).
Identifiers: ClinVar variation 4705451 (VCV004705451.1).
Genomic context (GRCh38, chrX:150,473,802, plus strand): 5'-CGGGAACTCTTTCACTAGCAGGCAAGATCCTCAGCCTGGAGACGTGTCACCGTCTAACAT[T>A]GTGAGCCTTTCTGTTTTGTTTTGTCTTCAATTGGGTACATTTTTGTAGACTGATTGTGTT-3'
Protein context (NP_005482.2, residues 670-690): PQPGDVSPSN[Ile680=]THVDKACKLG

ClinVar aggregate classification (germline): Uncertain significance (1 of 4 stars; one submission).

gnomAD v4.1: 4 of 1,209,165 alleles (0.00033%); highest among the groups gnomAD compares: Admixed American, 0.0022%; no homozygotes.

Submission:

Labcorp Genetics (formerly Invitae), Labcorp
Classification: Uncertain significance. Last evaluated: 2025-02-27. Review status: criteria provided, single submitter. Criteria: Invitae Variant Classification Sherloc (09022015). Collection method: clinical testing. Allele origin: germline.
Comment: This sequence change affects codon 680 of the MAMLD1 mRNA. It is a 'silent' change, meaning that it does not change the encoded amino acid sequence of the MAMLD1 protein. It affects a nucleotide within the consensus splice site. This variant is present in population databases (no rsID available, gnomAD 0.001%). This variant has not been reported in the literature in individuals affected with MAMLD1-related conditions. Algorithms developed to predict the effect of sequence changes on RNA splicing suggest that this variant is not likely to affect RNA splicing. In summary, the available evidence is currently insufficient to determine the role of this variant in disease. Therefore, it has been classified as a Variant of Uncertain Significance.